The following is an entry in ClinVar:

ClinVar aggregate classification (germline): Uncertain significance. Review status: criteria provided, multiple submitters, no conflicts (2 of 4 stars). 2 submissions from 2 submitters: Uncertain significance (2). Last evaluated 2019-12-04.

Conditions:
Ichthyosis vulgaris. Also called: ICHTHYOSIS SIMPLEX; Dominant ichthyosis vulgaris. Identifiers: MedGen C0079584, MONDO:0024304, OMIM 146700.

Submissions (2):

Baylor Genetics
Classification: Uncertain significance for Ichthyosis vulgaris. Last evaluated: 2019-12-04. Review status: criteria provided, single submitter. Criteria: ACMG Guidelines, 2015. Collection method: clinical testing. Allele origin: unknown. Affected: yes.
Comment: This variant was determined to be of uncertain significance according to ACMG Guidelines, 2015 [PMID:25741868].

Breakthrough Genomics
Classification: Uncertain significance. Review status: criteria provided, single submitter. Criteria: ACMG Guidelines, 2015. Collection method: not provided. Allele origin: germline. Inheritance: Autosomal recessive inheritance. Affected: yes.

NM_002016.2(FLG):c.8671G>T (p.Val2891Leu)

Genes: CCDST (cervical cancer associated DHX9 suppressive transcript; plus strand), FLG (filaggrin; minus strand). Cytogenetic location: 1q21.3.
Variant type: single nucleotide variant.
Coding change: c.8671G>T on transcript NM_002016.2 (MANE Select); coding-DNA position 8671, G replaced by T.
Protein change: p.Val2891Leu; replaces valine 2891 with leucine.
Molecular consequence: missense variant.
Genome position (GRCh38, 1-based): chr1:152,306,215, C>A on the plus strand (G>T on the coding strand, the complement: FLG is on the minus strand). VCF-style: chr1-152306215-C-A. GRCh37 (hg19) VCF-style: chr1-152278691-C-A.
Other names: short protein forms V2891L.
Identifiers: ClinVar variation 1027985 (VCV001027985.2), dbSNP rs1446923658, ClinGen allele CA342035268.